The following is an entry in ClinVar:

ClinVar aggregate classification (germline): Uncertain significance (1 of 4 stars; one submission).

Allele frequency attached by ClinVar (database versions not stated): gnomAD exomes below 0.00001; TOPMed 0.00001; ESP Exome Variant Server 0.00008.
gnomAD v4.1: 4 of 1,613,910 alleles (0.00025%); highest among the groups gnomAD compares: Non-Finnish European, 0.00034%; no homozygotes.

Submission:

GeneDx
Classification: Uncertain significance. Last evaluated: 2020-01-08. Review status: criteria provided, single submitter. Criteria: GeneDx Variant Classification Process June 2021. Collection method: clinical testing. Allele origin: germline. Affected: yes.
Comment: Not observed in large population cohorts (Lek et al., 2016); Canonical splice site variant in a gene for which loss-of-function is not a well established-mechanism of disease; Has not been previously published as pathogenic or benign to our knowledge

NM_198999.3(SLC26A5):c.1119+1G>A

Gene: SLC26A5 (solute carrier family 26 member 5; minus strand). Cytogenetic location: 7q22.1.
Variant type: single nucleotide variant.
Coding change: c.1119+1G>A on transcript NM_198999.3 (MANE Select); the canonical splice donor site of the intron after coding-DNA position 1119, G replaced by A.
Molecular consequence: splice donor variant. On other transcripts: intron variant (1).
Genome position (GRCh38, 1-based): chr7:103,392,918, C>T on the plus strand (G>A on the coding strand, the complement: SLC26A5 is on the minus strand). VCF-style: chr7-103392918-C-T. GRCh37 (hg19) VCF-style: chr7-103033365-C-T.
Other names: c.971+5014G>A (NM_206885.3); c.1119+1G>A (NM_001321787.2, NM_206884.3, NM_206883.3 and 1 more transcripts).
Identifiers: ClinVar variation 1311872 (VCV001311872.2), dbSNP rs374849558, ClinGen allele CA163889524.